The following is an entry in ClinVar:

NM_138409.4(MRAP2):c.141T>C (p.Ile47=)

Gene: MRAP2 (melanocortin 2 receptor accessory protein 2; plus strand). Cytogenetic location: 6q14.2.
Variant type: single nucleotide variant.
Coding change: c.141T>C on transcript NM_138409.4 (MANE Select); coding-DNA position 141, T replaced by C.
Protein change: p.Ile47=; no amino-acid change (isoleucine 47 retained).
Molecular consequence: synonymous variant. On other transcripts: 5 prime UTR variant (1), intron variant (1).
Genome position (GRCh38, 1-based): chr6:84,062,906, T>C. VCF-style: chr6-84062906-T-C. GRCh37 (hg19) VCF-style: chr6-84772625-T-C.
Other names: c.141T>C, p.Ile47= (NM_001346542.2, NM_001346544.2); c.-119T>C (NM_001346543.2); c.-32+7461T>C (NM_001346541.2).
Identifiers: ClinVar variation 3349563 (VCV003349563.1).

ClinVar aggregate classification (germline): Likely benign (0 of 4 stars; one submission).

Conditions:
MRAP2-related disorder. Also called: MRAP2-related condition.

gnomAD v4.1: 5 of 1,614,078 alleles (0.00031%); highest among the groups gnomAD compares: African/African-American, 0.0013%; no homozygotes.

Submission:

PreventionGenetics, part of Exact Sciences
Classification: Likely benign for MRAP2-related condition. Last evaluated: 2023-12-07. Review status: no assertion criteria provided. Collection method: clinical testing. Allele origin: germline.
Comment: This variant is classified as likely benign based on ACMG/AMP sequence variant interpretation guidelines (Richards et al. 2015 PMID: 25741868, with internal and published modifications).